The following is an entry in ClinVar:

ClinVar aggregate classification (germline): Pathogenic (1 of 4 stars; one submission).

Conditions:
Neuronal ceroid lipofuscinosis 2. Also called: TPP1-Related Neuronal Ceroid-Lipofuscinosis; JANSKY-BIELSCHOWSKY DISEASE NEURONAL CEROID LIPOFUSCINOSIS, LATE INFANTILE. Identifiers: Orphanet 168491, Orphanet 228349, Orphanet 79264, MedGen C1876161, MONDO:0008769, OMIM 204500.

Submission:

Myriad Genetics, Inc.
Classification: Pathogenic for Neuronal ceroid lipofuscinosis 2. Last evaluated: 2025-08-19. Review status: criteria provided, single submitter. Criteria: Myriad Autosomal Dominant, Autosomal Recessive and X-Linked Classification Criteria (2023). Collection method: clinical testing. Allele origin: unknown.
Comment: NM_000391.3(TPP1):c.533dupC(T179Nfs*9) is expected to be pathogenic in the context of TPP1-related neuronal ceroid lipofuscinosis. This variant is predicted to lead to an abnormal or absent protein product due to the creation of a premature termination codon in TPP1, a gene where loss-of-function variants are known to be pathogenic. Please note: this variant was assessed in the context of healthy population screening.

NM_000391.4(TPP1):c.533dup (p.Thr179fs)

Gene: TPP1 (tripeptidyl peptidase 1; minus strand). Cytogenetic location: 11p15.4.
Variant type: Duplication.
Coding change: c.533dup on transcript NM_000391.4 (MANE Select); coding-DNA position 533, one base duplicated (C; older notation c.533dupC).
Protein change: p.Thr179fs; shifts the reading frame from threonine 179.
Molecular consequence: frameshift variant.
Genome position (GRCh38, 1-based): chr11:6,617,129, G duplicated on the plus strand (C on the coding strand, the reverse complement: TPP1 is on the minus strand); the first of 5 consecutive G bases (chr11:6,617,129-6,617,133); duplicating any one gives the same sequence. VCF-style (leftmost placement, unchanged base first): chr11-6617128-T-TG. GRCh37 (hg19) VCF-style: chr11-6638359-T-TG.
Other names: short protein forms T179fs.
Identifiers: ClinVar variation 5014896 (VCV005014896.1).